The following is an entry in ClinVar:

NM_025132.4(WDR19):c.2681C>T (p.Ser894Phe)

Gene: WDR19 (WD repeat domain 19; plus strand). Cytogenetic location: 4p14.
Variant type: single nucleotide variant.
Coding change: c.2681C>T on transcript NM_025132.4 (MANE Select); coding-DNA position 2681, C replaced by T.
Protein change: p.Ser894Phe; replaces serine 894 with phenylalanine.
Molecular consequence: missense variant.
Genome position (GRCh38, 1-based): chr4:39,245,404, C>T. VCF-style: chr4-39245404-C-T. GRCh37 (hg19) VCF-style: chr4-39247024-C-T.
Other names: c.2201C>T, p.Ser734Phe (NM_001317924.2); short protein forms S734F, S894F.
Identifiers: ClinVar variation 1476083 (VCV001476083.5), dbSNP rs2109410308, ClinGen allele CA356639147.

ClinVar aggregate classification (germline): Uncertain significance (1 of 4 stars; one submission).

Conditions:
Asphyxiating thoracic dystrophy 5 (SRTD5). Also called: SHORT-RIB THORACIC DYSPLASIA 5 WITH OR WITHOUT POLYDACTYLY; SHORT-RIB THORACIC DYSPLASIA 5 WITHOUT POLYDACTYLY. Identifiers: Orphanet 474, MedGen C3280598, MONDO:0013717, OMIM 614376.
Senior-Loken syndrome 8 (SLSN8). Identifiers: Orphanet 3156, MedGen C4225376, MONDO:0014579, OMIM 616307.

Allele frequency attached by ClinVar (database versions not stated): gnomAD exomes below 0.00001.
gnomAD v4.1: 2 of 1,613,750 alleles (0.00012%); highest among the groups gnomAD compares: Non-Finnish European, 0.000085%; no homozygotes.

Submission:

Labcorp Genetics (formerly Invitae), Labcorp
Classification: Uncertain significance for Senior-Loken syndrome 8; Asphyxiating thoracic dystrophy 5. Last evaluated: 2022-07-26. Review status: criteria provided, single submitter. Criteria: Invitae Variant Classification Sherloc (09022015). Collection method: clinical testing. Allele origin: germline.
Comment: This sequence change replaces serine, which is neutral and polar, with phenylalanine, which is neutral and non-polar, at codon 894 of the WDR19 protein (p.Ser894Phe). This variant is not present in population databases (gnomAD no frequency). This variant has not been reported in the literature in individuals affected with WDR19-related conditions. ClinVar contains an entry for this variant (Variation ID: 1476083). Algorithms developed to predict the effect of missense changes on protein structure and function (SIFT, PolyPhen-2, Align-GVGD) all suggest that this variant is likely to be disruptive. In summary, the available evidence is currently insufficient to determine the role of this variant in disease. Therefore, it has been classified as a Variant of Uncertain Significance.